The following is an entry in ClinVar:

ClinVar aggregate classification (germline): Uncertain significance (1 of 4 stars; one submission).

Conditions:
Pierson syndrome. Also called: MICROCORIA-CONGENITAL NEPHROTIC SYNDROME. Identifiers: Orphanet 2670, MedGen C1836876, MONDO:0012184, OMIM 609049.
LAMB2-related infantile-onset nephrotic syndrome. Also called: Nephrotic Syndrome, type 5; NEPHROTIC SYNDROME, TYPE 5, WITHOUT OCULAR ABNORMALITIES; NEPHROTIC SYNDROME, TYPE 5, WITH OCULAR ABNORMALITIES. Identifiers: Orphanet 306507, MedGen C3280113, MONDO:0013621, OMIM 614199.

Allele frequency attached by ClinVar (database versions not stated): gnomAD exomes below 0.00001.
gnomAD v4.1: 3 of 1,613,904 alleles (0.00019%); highest among the groups gnomAD compares: Non-Finnish European, 0.00025%; no homozygotes.

Submission:

Labcorp Genetics (formerly Invitae), Labcorp
Classification: Uncertain significance for LAMB2-related infantile-onset nephrotic syndrome; Pierson syndrome. Last evaluated: 2022-04-11. Review status: criteria provided, single submitter. Criteria: Invitae Variant Classification Sherloc (09022015). Collection method: clinical testing. Allele origin: germline.
Comment: In summary, the available evidence is currently insufficient to determine the role of this variant in disease. Therefore, it has been classified as a Variant of Uncertain Significance. Algorithms developed to predict the effect of missense changes on protein structure and function are either unavailable or do not agree on the potential impact of this missense change (SIFT: "Deleterious"; PolyPhen-2: "Benign"; Align-GVGD: "Class C15"). This variant has not been reported in the literature in individuals affected with LAMB2-related conditions. This variant is not present in population databases (gnomAD no frequency). This sequence change replaces asparagine, which is neutral and polar, with serine, which is neutral and polar, at codon 786 of the LAMB2 protein (p.Asn786Ser).

NM_002292.4(LAMB2):c.2357A>G (p.Asn786Ser)

Gene: LAMB2 (laminin subunit beta 2; minus strand). Cytogenetic location: 3p21.31.
Variant type: single nucleotide variant.
Coding change: c.2357A>G on transcript NM_002292.4 (MANE Select); coding-DNA position 2357, A replaced by G.
Protein change: p.Asn786Ser; replaces asparagine 786 with serine.
Molecular consequence: missense variant.
Genome position (GRCh38, 1-based): chr3:49,125,878, T>C on the plus strand (A>G on the coding strand, the complement: LAMB2 is on the minus strand). VCF-style: chr3-49125878-T-C. GRCh37 (hg19) VCF-style: chr3-49163311-T-C.
Other names: short protein forms N786S.
Identifiers: ClinVar variation 2124881 (VCV002124881.4), dbSNP rs2472543537, ClinGen allele CA352724894.
Genomic context (GRCh38, chr3:49,125,878, plus strand): 5'-GGCTTGCACAGGCACTGACCACCATGAGGGTTGCACTCAGAACTCAGTGAACCTTGAGGG[T>C]TGCACTGACATGCTGTGGGGAGGAGGGTTGGGCCAAGTCAGGCTGGGTCCCCACCTCTGC-3'
Protein context (NP_002283.3, residues 776-796): IYNGALPCQC[Asn786Ser]PQGSLSSECN